The following is an entry in ClinVar:

NM_000094.4(COL7A1):c.6182G>T (p.Gly2061Val)

Gene: COL7A1 (collagen type VII alpha 1 chain; minus strand). Cytogenetic location: 3p21.31.
Variant type: single nucleotide variant.
Coding change: c.6182G>T on transcript NM_000094.4 (MANE Select); coding-DNA position 6182, G replaced by T.
Protein change: p.Gly2061Val; replaces glycine 2061 with valine.
Molecular consequence: missense variant.
Genome position (GRCh38, 1-based): chr3:48,575,241, C>A on the plus strand (G>T on the coding strand, the complement: COL7A1 is on the minus strand). VCF-style: chr3-48575241-C-A. GRCh37 (hg19) VCF-style: chr3-48612674-C-A.
Other names: c.6182G>T (NM_000094.3); short protein forms G2061V.
Identifiers: ClinVar variation 1047984 (VCV001047984.6), dbSNP rs2044208810, ClinGen allele CA352662709.

ClinVar aggregate classification (germline): Pathogenic. Review status: criteria provided, multiple submitters, no conflicts (2 of 4 stars). 3 submissions from 3 submitters: Pathogenic (3). Last evaluated 2024-07-22.

Conditions:
Epidermolysis bullosa dystrophica. Also called: Dystrophic epidermolysis bullosa, Hallopeau-Siemens type (formerly); Dystrophic epidermolysis bullosa. Identifiers: Orphanet 303, MedGen C0079294, MONDO:0006543.

Submissions (3):

GeneDx
Classification: Pathogenic. Last evaluated: 2024-07-22. Review status: criteria provided, single submitter. Criteria: GeneDx Variant Classification Process June 2021. Collection method: clinical testing. Allele origin: germline. Affected: yes.
Comment: Previously reported in association with autosomal dominant epidermolysis bullosa (PMID: 20184583); Located in the highly conserved Gly-X-Y repeat of the collagenous domain; Glycine substitution variants in this region of the COLVII protein destabilize the collagen triple helix resulting in skin fragility due to poor anchoring of the basement membrane to the underlying dermis (PMID: 20301481); Not observed at significant frequency in large population cohorts (gnomAD); In silico analysis supports that this missense variant has a deleterious effect on protein structure/function; In silico analysis supports a deleterious effect on splicing; This variant is associated with the following publications: (PMID: 21448560, 20301481, 20184583)

Labcorp Genetics (formerly Invitae), Labcorp
Classification: Pathogenic. Last evaluated: 2022-10-13. Review status: criteria provided, single submitter. Criteria: Invitae Variant Classification Sherloc (09022015). Collection method: clinical testing. Allele origin: germline.
Comment: This sequence change replaces glycine, which is neutral and non-polar, with valine, which is neutral and non-polar, at codon 2061 of the COL7A1 protein (p.Gly2061Val). This variant is not present in population databases (gnomAD no frequency). This missense change has been observed in individual(s) with clinical features of autosomal dominant epidermolysis bullosa (PMID: 20184583; Invitae). ClinVar contains an entry for this variant (Variation ID: 1047984). Algorithms developed to predict the effect of missense changes on protein structure and function are either unavailable or do not agree on the potential impact of this missense change (SIFT: "Deleterious"; PolyPhen-2: "Not Available"; Align-GVGD: "Class C65"). Algorithms developed to predict the effect of sequence changes on RNA splicing suggest that this variant may create or strengthen a splice site. This variant disrupts the triple helix domain of COL7A1. Glycine residues within the Gly-Xaa-Yaa repeats of the triple helix domain are required for the structure and stability of fibrillar collagens (PMID: 7695699, 8218237, 19344236), and variants at these glycine residues in COL7A1 are more frequently observed in individuals with disease than in the general population (PMID: 22058051). However, the clinical significance of this observation remains uncertain since only a limited number of affected individuals have been described to date. This variant disrupts the p.Gly2061 amino acid residue in COL7A1. Other variant(s) that disrupt this residue have been determined to be pathogenic (PMID: 17282977). This suggests that this residue is clinically significant, and that variants that disrupt this residue are likely to be disease-causing. For these reasons, this variant has been classified as Pathogenic.

Biomedical Innovation Departament, CIEMAT
Classification: Pathogenic for Dystrophic epidermolysis bullosa. Last evaluated: 2018-03-27. Review status: criteria provided, single submitter. Criteria: ACMG Guidelines, 2015. Collection method: research. Allele origin: germline. Affected: yes. Observed: 1 variant allele.

Literature cited by the submitters: PubMed 20184583 (cited by Labcorp Genetics (formerly Invitae), Labcorp and Biomedical Innovation Departament, CIEMAT); PubMed 7695699 (cited by Labcorp Genetics (formerly Invitae), Labcorp); PubMed 8218237 (cited by Labcorp Genetics (formerly Invitae), Labcorp); PubMed 19344236 (cited by Labcorp Genetics (formerly Invitae), Labcorp); PubMed 22058051 (cited by Labcorp Genetics (formerly Invitae), Labcorp); PubMed 17282977 (cited by Labcorp Genetics (formerly Invitae), Labcorp).